The following is an entry in ClinVar:

ClinVar aggregate classification (germline): Uncertain significance (1 of 4 stars; one submission).

Conditions:
Developmental and epileptic encephalopathy, 2 (DEE2). Also called: INFANTILE SPASM SYNDROME, X-LINKED 2; CDKL5 deficiency disorder. Identifiers: Orphanet 1934, Orphanet 3451, Orphanet 505652, MedGen C4750718, MONDO:0010396, OMIM 300672.
Angelman syndrome-like. Identifiers: MedGen CN128785.

Submission:

Labcorp Genetics (formerly Invitae), Labcorp
Classification: Uncertain significance for Developmental and epileptic encephalopathy, 2; Angelman syndrome-like. Last evaluated: 2022-02-25. Review status: criteria provided, single submitter. Criteria: Invitae Variant Classification Sherloc (09022015). Collection method: clinical testing. Allele origin: germline.
Comment: In summary, the available evidence is currently insufficient to determine the role of this variant in disease. Therefore, it has been classified as a Variant of Uncertain Significance. Variants that disrupt the consensus splice site are a relatively common cause of aberrant splicing (PMID: 17576681, 9536098). Algorithms developed to predict the effect of sequence changes on RNA splicing suggest that this variant is not likely to affect RNA splicing. This variant has not been reported in the literature in individuals affected with CDKL5-related conditions. This variant is not present in population databases (gnomAD no frequency). This sequence change falls in intron 9 of the CDKL5 gene. It does not directly change the encoded amino acid sequence of the CDKL5 protein. It affects a nucleotide within the consensus splice site.

Literature cited by the submitters: PubMed 17576681; PubMed 9536098.

NM_001323289.2(CDKL5):c.745-3C>T

Gene: CDKL5 (cyclin dependent kinase like 5; plus strand). Cytogenetic location: Xp22.13.
Variant type: single nucleotide variant.
Coding change: c.745-3C>T on transcript NM_001323289.2 (MANE Select); 3 bases into the intron before coding-DNA position 745, C replaced by T.
Molecular consequence: intron variant.
Genome position (GRCh38, 1-based): chrX:18,595,345, C>T. VCF-style: chrX-18595345-C-T. GRCh37 (hg19) VCF-style: chrX-18613465-C-T.
Other names: c.745-3C>T (NM_003159.3, NM_001037343.2).
Identifiers: ClinVar variation 2103652 (VCV002103652.4), dbSNP rs2147153520, ClinGen allele CA2580100407.